The following is an entry in ClinVar:

NM_001200.4(BMP2):c.575T>C (p.Leu192Ser)

Gene: BMP2 (bone morphogenetic protein 2; plus strand). Cytogenetic location: 20p12.3.
Variant type: single nucleotide variant.
Coding change: c.575T>C on transcript NM_001200.4 (MANE Select); coding-DNA position 575, T replaced by C.
Protein change: p.Leu192Ser; replaces leucine 192 with serine.
Molecular consequence: missense variant.
Genome position (GRCh38, 1-based): chr20:6,778,473, T>C. VCF-style: chr20-6778473-T-C. GRCh37 (hg19) VCF-style: chr20-6759120-T-C.
Other names: short protein forms L192S.
Identifiers: ClinVar variation 4716640 (VCV004716640.1).

ClinVar aggregate classification (germline): Uncertain significance (1 of 4 stars; one submission).

Submission:

Labcorp Genetics (formerly Invitae), Labcorp
Classification: Uncertain significance. Last evaluated: 2025-04-09. Review status: criteria provided, single submitter. Criteria: Invitae Variant Classification Sherloc (09022015). Collection method: clinical testing. Allele origin: germline.
Comment: This sequence change replaces leucine, which is neutral and non-polar, with serine, which is neutral and polar, at codon 192 of the BMP2 protein (p.Leu192Ser). This variant is not present in population databases (gnomAD no frequency). This variant has not been reported in the literature in individuals affected with BMP2-related conditions. An algorithm developed to predict the effect of missense changes on protein structure and function (PolyPhen-2) suggests that this variant is likely to be disruptive. In summary, the available evidence is currently insufficient to determine the role of this variant in disease. Therefore, it has been classified as a Variant of Uncertain Significance.